The following is an entry in ClinVar:

NM_000070.3(CAPN3):c.590G>T (p.Arg197Leu)

Gene: CAPN3 (calpain 3; plus strand). Cytogenetic location: 15q15.1.
Variant type: single nucleotide variant.
Coding change: c.590G>T on transcript NM_000070.3 (MANE Select); coding-DNA position 590, G replaced by T.
Protein change: p.Arg197Leu; replaces arginine 197 with leucine.
Molecular consequence: missense variant.
Genome position (GRCh38, 1-based): chr15:42,387,844, G>T. VCF-style: chr15-42387844-G-T. GRCh37 (hg19) VCF-style: chr15-42680042-G-T.
Other names: c.590G>T, p.Arg197Leu (NM_024344.2, NM_173087.2); short protein forms R197L.
Identifiers: ClinVar variation 446982 (VCV000446982.28), dbSNP rs768426565, ClinGen allele CA7511065.

ClinVar aggregate classification (germline): Uncertain significance. Review status: criteria provided, multiple submitters, no conflicts (2 of 4 stars). 7 submissions from 7 submitters: Uncertain significance (6). 1 of the submissions does not count toward it. Last evaluated 2024-09-01.

Conditions:
Autosomal recessive limb-girdle muscular dystrophy type 2A (LGMDR1). Also called: LEYDEN-MOEBIUS MUSCULAR DYSTROPHY; MUSCULAR DYSTROPHY, PELVOFEMORAL; Calpainopathy; Muscular dystrophy, limb-girdle, type 2A, Amish; Limb-girdle muscular dystrophy, type 2A. Identifiers: Orphanet 267, MedGen C1869123, MONDO:0009675, OMIM 253600. Disease mechanism: loss of function.

Allele frequency attached by ClinVar (database versions not stated): TOPMed 0.00001.
gnomAD v4.1: 14 of 1,614,040 alleles (0.00087%); highest among the groups gnomAD compares: Admixed American, 0.018%; no homozygotes.

Submissions (7):

CeGaT Center for Human Genetics Tuebingen
Classification: Uncertain significance. Last evaluated: 2024-09-01. Review status: criteria provided, single submitter. Criteria: CeGaT Center For Human Genetics Tuebingen Variant Classification Criteria Version 2. Collection method: clinical testing. Allele origin: germline. Affected: yes. Observed: 1 variant allele.
Comment: CAPN3: PM2, PM3:Supporting

Labcorp Genetics (formerly Invitae), Labcorp
Classification: Uncertain significance for Autosomal recessive limb-girdle muscular dystrophy type 2A. Last evaluated: 2024-06-11. Review status: criteria provided, single submitter. Criteria: Invitae Variant Classification Sherloc (09022015). Collection method: clinical testing. Allele origin: germline.
Comment: This sequence change replaces arginine, which is basic and polar, with leucine, which is neutral and non-polar, at codon 197 of the CAPN3 protein (p.Arg197Leu). This variant is present in population databases (rs768426565, gnomAD 0.03%). This missense change has been observed in individual(s) with autosomal recessive limb-girdle muscular dystrophy (PMID: 15689361, 16141003, 30564623, 33337384). ClinVar contains an entry for this variant (Variation ID: 446982). Advanced modeling of protein sequence and biophysical properties (such as structural, functional, and spatial information, amino acid conservation, physicochemical variation, residue mobility, and thermodynamic stability) performed at Invitae indicates that this missense variant is not expected to disrupt CAPN3 protein function with a negative predictive value of 80%. This variant disrupts the p.Arg197 amino acid residue in CAPN3. Other variant(s) that disrupt this residue have been observed in individuals with CAPN3-related conditions (PMID: 16141003, 33337384), which suggests that this may be a clinically significant amino acid residue. In summary, the available evidence is currently insufficient to determine the role of this variant in disease. Therefore, it has been classified as a Variant of Uncertain Significance.

Mayo Clinic Laboratories, Mayo Clinic
Classification: Uncertain significance. Last evaluated: 2024-04-15. Review status: criteria provided, single submitter. Criteria: ACMG Guidelines, 2015. Collection method: clinical testing. Allele origin: germline. Observed: 1 variant allele.

Revvity Omics, Revvity
Classification: Uncertain significance. Last evaluated: 2019-06-13. Review status: criteria provided, single submitter. Criteria: ACMG Guidelines, 2015. Collection method: clinical testing. Allele origin: germline.

Athena Diagnostics
Classification: Uncertain significance. Last evaluated: 2017-01-13. Review status: criteria provided, single submitter. Criteria: Athena Diagnostics Criteria. Collection method: clinical testing. Allele origin: germline.

Eurofins Ntd Llc (ga)
Classification: Uncertain significance. Last evaluated: 2016-12-07. Review status: criteria provided, single submitter. Criteria: EGL Classification Definitions 2015. Collection method: clinical testing. Allele origin: germline. Observed: 1 variant allele, 1 heterozygote.

Natera, Inc.
Classification: Uncertain significance for Limb-girdle muscular dystrophy type 2A. Last evaluated: 2020-09-16. Review status: no assertion criteria provided. Collection method: clinical testing. Allele origin: germline. Not counted in ClinVar's aggregate classification.

Literature cited by the submitters: PubMed 15689361 (cited by 3 submitters); PubMed 16141003 (cited by Labcorp Genetics (formerly Invitae), Labcorp); PubMed 30564623 (cited by Labcorp Genetics (formerly Invitae), Labcorp and Mayo Clinic Laboratories, Mayo Clinic); PubMed 33337384 (cited by Labcorp Genetics (formerly Invitae), Labcorp and Mayo Clinic Laboratories, Mayo Clinic).